The following is an entry in ClinVar:

NM_006516.4(SLC2A1):c.692T>C (p.Leu231Pro)

Gene: SLC2A1 (solute carrier family 2 member 1; minus strand). Cytogenetic location: 1p34.2.
Variant type: single nucleotide variant.
Coding change: c.692T>C on transcript NM_006516.4 (MANE Select); coding-DNA position 692, T replaced by C.
Protein change: p.Leu231Pro; replaces leucine 231 with proline.
Molecular consequence: missense variant.
Genome position (GRCh38, 1-based): chr1:42,929,768, A>G on the plus strand (T>C on the coding strand, the complement: SLC2A1 is on the minus strand). VCF-style: chr1-42929768-A-G. GRCh37 (hg19) VCF-style: chr1-43395439-A-G.
Other names: short protein forms L231P.
Identifiers: ClinVar variation 1098716 (VCV001098716.1), dbSNP rs2124449089, ClinGen allele CA339958276.

ClinVar aggregate classification (germline): Likely pathogenic (1 of 4 stars; one submission).

Conditions:
Childhood onset GLUT1 deficiency syndrome 2. Also called: GLUT1 deficiency syndrome 2; PxMD-SLC2A1; PAROXYSMAL EXERCISE-INDUCED DYSKINESIA WITH OR WITHOUT EPILEPSY AND/OR HEMOLYTIC ANEMIA; PAROXYSMAL EXERTION-INDUCED DYSTONIA WITH OR WITHOUT EPILEPSY AND/OR HEMOLYTIC ANEMIA; PED WITH OR WITHOUT EPILEPSY AND/OR HEMOLYTIC ANEMIA; Paroxysmal exercise-induced dystonia. Identifiers: Orphanet 98811, MedGen C1842534, MONDO:0012805, OMIM 612126.

Submission:

Experimental Epileptology, AG Lerche, Hertie Institute for Clinical Brain Research
Classification: Likely pathogenic for Childhood onset GLUT1 deficiency syndrome 2. Last evaluated: 2021-05-19. Review status: criteria provided, single submitter. Criteria: ACMG Guidelines, 2015. Collection method: clinical testing. Allele origin: maternal. Affected: yes.
Comment: ACMG Criteria: PM2, PM6, PP3, PP5

Literature cited by the submitters: PubMed 34305802.